The following is an entry in ClinVar:

NM_001379500.1(COL18A1):c.*849A>T

Genes: COL18A1 (collagen type XVIII alpha 1 chain; plus strand), SLC19A1 (solute carrier family 19 member 1; minus strand). Cytogenetic location: 21q22.3.
Variant type: single nucleotide variant.
Coding change: c.*849A>T on transcript NM_001379500.1 (MANE Select); 849 bases downstream of the stop codon, A replaced by T.
Molecular consequence: 3 prime UTR variant.
Genome position (GRCh38, 1-based): chr21:45,513,247, A>T. VCF-style: chr21-45513247-A-T. GRCh37 (hg19) VCF-style: chr21-46933161-A-T.
Other names: NM_130445.2:c.*849A>T; c.*1729T>A (NM_001205206.4, NM_001352511.3); c.*2411T>A (NM_001205207.3, NM_001352510.2, NM_001352512.2 and 1 more transcripts); c.*849A>T (NM_030582.4, NM_130444.3).
Identifiers: ClinVar variation 340294 (VCV000340294.5), dbSNP rs17255379, ClinGen allele CA10644837.

ClinVar aggregate classification (germline): Likely benign (1 of 4 stars; one submission).

Conditions:
Knobloch syndrome (KNO). Also called: RETINAL DETACHMENT AND OCCIPITAL ENCEPHALOCELE; Myopia retinal detachment encephalocele. Identifiers: Orphanet 1571, MedGen C1849409, MONDO:0800166.

Allele frequency attached by ClinVar (database versions not stated): gnomAD 0.00656 and 0.00666; TOPMed 0.00699; gnomAD exomes 0.01667; 1000 Genomes Project 0.00300; 1000 Genomes Project 30x 0.00359.
gnomAD v4.1: 1,017 of 152,426 alleles (0.67%); highest among the groups gnomAD compares: Middle Eastern, 2%; 4 homozygotes.

Submission:

Illumina Laboratory Services, Illumina
Classification: Likely benign for Knobloch syndrome 1. Last evaluated: 2018-01-12. Review status: criteria provided, single submitter. Criteria: ICSL Variant Classification Criteria 13 December 2019. Collection method: clinical testing. Allele origin: germline.
Comment: This variant was observed in the ICSL laboratory as part of a predisposition screen in an ostensibly healthy population. It had not been previously curated by ICSL or reported in the Human Gene Mutation Database (HGMD: prior to June 1st, 2018), and was therefore a candidate for classification through an automated scoring system. Utilizing variant allele frequency, disease prevalence and penetrance estimates, and inheritance mode, an automated score was calculated to assess if this variant is too frequent to cause the disease. Based on the score and internal cut-off values, a variant classified as likely benign is not then subjected to further curation. The score for this variant resulted in a classification of likely benign for this disease.